The following is an entry in ClinVar:

NM_001378454.1(ALMS1):c.7658C>T (p.Thr2553Ile)

Gene: ALMS1 (ALMS1 centrosome and basal body associated protein; plus strand). Cytogenetic location: 2p13.1.
Variant type: single nucleotide variant.
Coding change: c.7658C>T on transcript NM_001378454.1 (MANE Select); coding-DNA position 7658, C replaced by T.
Protein change: p.Thr2553Ile; replaces threonine 2553 with isoleucine.
Molecular consequence: missense variant.
Genome position (GRCh38, 1-based): chr2:73,455,279, C>T. VCF-style: chr2-73455279-C-T. GRCh37 (hg19) VCF-style: chr2-73682406-C-T.
Other names: c.7661C>T, p.Thr2554Ile (NM_015120.4); short protein forms T2553I, T2554I.
Identifiers: ClinVar variation 2193397 (VCV002193397.1), dbSNP rs780854777, ClinGen allele CA1714289.

ClinVar aggregate classification (germline): Uncertain significance (1 of 4 stars; one submission).

Conditions:
Alstrom syndrome (ALMS). Identifiers: Orphanet 64, MedGen C0268425, MONDO:0008763, OMIM 203800.

Allele frequency attached by ClinVar (database versions not stated): ExAC 0.00001; gnomAD 0.00001; TOPMed 0.00001.
gnomAD v4.1: 1 of 1,613,922 alleles (0.000062%); highest among the groups gnomAD compares: East Asian, 0.0022%; no homozygotes.

Submission:

Labcorp Genetics (formerly Invitae), Labcorp
Classification: Uncertain significance for Alstrom syndrome. Last evaluated: 2022-08-18. Review status: criteria provided, single submitter. Criteria: Invitae Variant Classification Sherloc (09022015). Collection method: clinical testing. Allele origin: germline.
Comment: This sequence change replaces threonine, which is neutral and polar, with isoleucine, which is neutral and non-polar, at codon 2554 of the ALMS1 protein (p.Thr2554Ile). This variant is present in population databases (rs780854777, gnomAD 0.02%). This variant has not been reported in the literature in individuals affected with ALMS1-related conditions. Experimental studies and prediction algorithms are not available or were not evaluated, and the functional significance of this variant is currently unknown. In summary, the available evidence is currently insufficient to determine the role of this variant in disease. Therefore, it has been classified as a Variant of Uncertain Significance.